The following is an entry in ClinVar:

NM_001349338.3(FOXP1):c.135C>A (p.Asp45Glu)

Gene: FOXP1 (forkhead box P1; minus strand). Cytogenetic location: 3p13.
Variant type: single nucleotide variant.
Coding change: c.135C>A on transcript NM_001349338.3 (MANE Select); coding-DNA position 135, C replaced by A.
Protein change: p.Asp45Glu; replaces aspartic acid 45 with glutamic acid.
Molecular consequence: missense variant. On other transcripts: non-coding transcript variant (2).
Genome position (GRCh38, 1-based): chr3:71,198,247, G>T on the plus strand (C>A on the coding strand, the complement: FOXP1 is on the minus strand). VCF-style: chr3-71198247-G-T. GRCh37 (hg19) VCF-style: chr3-71247398-G-T.
Other names: c.135C>A, p.Asp45Glu (NM_001012505.2, NM_001244808.3, NM_001244810.2 and 7 more transcripts); short protein forms D45E.
Identifiers: ClinVar variation 1770782 (VCV001770782.2), dbSNP rs749307402, ClinGen allele CA77135947.

ClinVar aggregate classification (germline): Uncertain significance (1 of 4 stars; one submission).

Conditions:
Inborn genetic diseases. Identifiers: MedGen C0950123, MeSH D030342.

Allele frequency attached by ClinVar (database versions not stated): TOPMed below 0.00001; gnomAD 0.00001.
gnomAD v4.1: 4 of 1,614,022 alleles (0.00025%); highest among the groups gnomAD compares: Non-Finnish European, 0.00034%; no homozygotes.

Submission:

Ambry Genetics
Classification: Uncertain significance for Inborn genetic diseases. Last evaluated: 2020-09-02. Review status: criteria provided, single submitter. Criteria: Ambry Variant Classification Scheme 2023. Collection method: clinical testing. Allele origin: germline.
Comment: The p.D45E variant (also known as c.135C>A), located in coding exon 1 of the FOXP1 gene, results from a C to A substitution at nucleotide position 135. The aspartic acid at codon 45 is replaced by glutamic acid, an amino acid with highly similar properties. This amino acid position is not well conserved in available vertebrate species. In addition, this alteration is predicted to be tolerated by in silico analysis. Since supporting evidence is limited at this time, the clinical significance of this alteration remains unclear.